The following is an entry in ClinVar:

ClinVar aggregate classification (germline): Pathogenic/Likely pathogenic. Review status: criteria provided, multiple submitters, no conflicts (2 of 4 stars). 2 submissions from 2 submitters: Pathogenic (1); Likely pathogenic (1). Last evaluated 2025-08-12.

Conditions:
Developmental and epileptic encephalopathy, 42 (DEE42A). Also called: DEVELOPMENTAL AND EPILEPTIC ENCEPHALOPATHY 42A; EPILEPTIC ENCEPHALOPATHY, EARLY INFANTILE, 42A; Epileptic encephalopathy, early infantile, 42. Identifiers: MedGen C4310716, MONDO:0014917, OMIM 617106.
Inborn genetic diseases. Identifiers: MedGen C0950123, MeSH D030342.

Submissions (2):

Ambry Genetics
Classification: Pathogenic for Inborn genetic diseases. Last evaluated: 2025-08-12. Review status: criteria provided, single submitter. Criteria: Ambry Variant Classification Scheme 2023. Collection method: clinical testing. Allele origin: germline.
Comment: The c.4890G>A (p.W1630*) alteration, located in exon 31 (coding exon 31) of the CACNA1A gene, consists of a G to A substitution at nucleotide position 4890. This changes the amino acid from a tryptophan (W) to a stop codon at amino acid position 1630. This alteration is expected to result in loss of function by premature protein truncation or nonsense-mediated mRNA decay. for CACNA1A-related neurologic disorders; however, it is unlikely to be causative of CACNA1A-related spinocerebellar ataxia. This variant was not reported in population-based cohorts in the Genome Aggregation Database (gnomAD). This variant was reported in individual(s) with features consistent with CACNA1A-related neurologic disorders (Le Roux, 2021). Based on the available evidence, this alteration is classified as pathogenic.

Center of Human Genetics, Hôpital Erasme
Classification: Likely pathogenic for Developmental and epileptic encephalopathy, 42. Last evaluated: 2025-01-01. Review status: criteria provided, single submitter. Criteria: ACMG Guidelines, 2015. Collection method: clinical testing. Allele origin: inherited. Affected: yes.

Literature cited by the submitters: PubMed 34102571 (cited by Ambry Genetics).

NM_001127222.2(CACNA1A):c.4887G>A (p.Trp1629Ter)

Gene: CACNA1A (calcium voltage-gated channel subunit alpha1 A; minus strand). Cytogenetic location: 19p13.13.
Variant type: single nucleotide variant.
Coding change: c.4887G>A on transcript NM_001127222.2 (MANE Select); coding-DNA position 4887, G replaced by A.
Protein change: p.Trp1629Ter; replaces tryptophan 1629 with a stop codon.
Molecular consequence: nonsense.
Genome position (GRCh38, 1-based): chr19:13,245,245, C>T on the plus strand (G>A on the coding strand, the complement: CACNA1A is on the minus strand). VCF-style: chr19-13245245-C-T. GRCh37 (hg19) VCF-style: chr19-13356059-C-T.
Other names: c.4899G>A, p.Trp1633Ter (NM_000068.4, NM_023035.3); c.4890G>A, p.Trp1630Ter (NM_001127221.2, NM_001174080.2); short protein forms W1629*, W1630*, W1633*.
Identifiers: ClinVar variation 3897796 (VCV003897796.2).